The following is an entry in ClinVar:

NM_015331.3(NCSTN):c.1047G>C (p.Lys349Asn)

Gene: NCSTN (nicastrin; plus strand). Cytogenetic location: 1q23.2.
Variant type: single nucleotide variant.
Coding change: c.1047G>C on transcript NM_015331.3 (MANE Select); coding-DNA position 1047, G replaced by C.
Protein change: p.Lys349Asn; replaces lysine 349 with asparagine.
Molecular consequence: missense variant.
Genome position (GRCh38, 1-based): chr1:160,352,937, G>C. VCF-style: chr1-160352937-G-C. GRCh37 (hg19) VCF-style: chr1-160322727-G-C.
Other names: c.987G>C, p.Lys329Asn (NM_001290184.2); c.633G>C, p.Lys211Asn (NM_001290186.2); c.1047G>C, p.Lys349Asn (NM_001349729.2); short protein forms K329N, K211N, K349N.
Identifiers: ClinVar variation 1974916 (VCV001974916.5), dbSNP rs776312705, ClinGen allele CA1198881.

ClinVar aggregate classification (germline): Uncertain significance (1 of 4 stars; one submission).

Allele frequency attached by ClinVar (database versions not stated): ExAC 0.00001.
gnomAD v4.1: 2 of 1,614,166 alleles (0.00012%); highest among the groups gnomAD compares: Admixed American, 0.0033%; no homozygotes.

Submission:

Labcorp Genetics (formerly Invitae), Labcorp
Classification: Uncertain significance. Last evaluated: 2025-09-02. Review status: criteria provided, single submitter. Criteria: Invitae Variant Classification Sherloc (09022015). Collection method: clinical testing. Allele origin: germline.
Comment: This sequence change replaces lysine, which is basic and polar, with asparagine, which is neutral and polar, at codon 349 of the NCSTN protein (p.Lys349Asn). This variant is present in population databases (rs776312705, gnomAD 0.006%). This variant has not been reported in the literature in individuals affected with NCSTN-related conditions. ClinVar contains an entry for this variant (Variation ID: 1974916). Invitae Evidence Modeling of protein sequence and biophysical properties (such as structural, functional, and spatial information, amino acid conservation, physicochemical variation, residue mobility, and thermodynamic stability) indicates that this missense variant is not expected to disrupt NCSTN protein function with a negative predictive value of 80%. In summary, the available evidence is currently insufficient to determine the role of this variant in disease. Therefore, it has been classified as a Variant of Uncertain Significance.